The following is an entry in ClinVar:

NM_021072.4(HCN1):c.249C>A (p.Asp83Glu)

Gene: HCN1 (hyperpolarization activated cyclic nucleotide gated potassium channel 1; minus strand). Cytogenetic location: 5p12.
Variant type: single nucleotide variant.
Coding change: c.249C>A on transcript NM_021072.4 (MANE Select); coding-DNA position 249, C replaced by A.
Protein change: p.Asp83Glu; replaces aspartic acid 83 with glutamic acid.
Molecular consequence: missense variant.
Genome position (GRCh38, 1-based): chr5:45,695,845, G>T on the plus strand (C>A on the coding strand, the complement: HCN1 is on the minus strand). VCF-style: chr5-45695845-G-T. GRCh37 (hg19) VCF-style: chr5-45695947-G-T.
Other names: short protein forms D83E.
Identifiers: ClinVar variation 3345765 (VCV003345765.1).

ClinVar aggregate classification (germline): Uncertain significance (0 of 4 stars; one submission).

Conditions:
HCN1-related disorder. Also called: HCN1-related condition; HCN1-related disorders.

Submission:

PreventionGenetics, part of Exact Sciences
Classification: Uncertain significance for HCN1-related condition. Last evaluated: 2024-06-21. Review status: no assertion criteria provided. Collection method: clinical testing. Allele origin: germline.
Comment: The HCN1 c.249C>A variant is predicted to result in the amino acid substitution p.Asp83Glu. To our knowledge, this variant has not been reported in the literature or in a large population database, indicating this variant is rare. At this time, the clinical significance of this variant is uncertain due to the absence of conclusive functional and genetic evidence.